The following is an entry in ClinVar:

NM_005061.3(RPL3L):c.80G>A (p.Gly27Asp)

Gene: RPL3L (ribosomal protein L3 like; minus strand). Cytogenetic location: 16p13.3.
Variant type: single nucleotide variant.
Coding change: c.80G>A on transcript NM_005061.3 (MANE Select); coding-DNA position 80, G replaced by A.
Protein change: p.Gly27Asp; replaces glycine 27 with aspartic acid.
Molecular consequence: missense variant.
Genome position (GRCh38, 1-based): chr16:1,954,072, C>T on the plus strand (G>A on the coding strand, the complement: RPL3L is on the minus strand). VCF-style: chr16-1954072-C-T. GRCh37 (hg19) VCF-style: chr16-2004073-C-T.
Other names: c.80G>A (NM_005061.2); short protein forms G27D.
Identifiers: ClinVar variation 1162252 (VCV001162252.5), dbSNP rs770344400, ClinGen allele CA7823111.
Genomic context (GRCh38, chr16:1,954,072, plus strand): 5'-AGGAAGGCCGTGAGGTGCACGGGCTGGCTGGGGTCATCCCGCGGCCACGTCTTCACCTTG[C>T]CCCGGTGCCGGTGGCTCCTCTTATGGGGCAGGAAGCCCAGGTGTCCGTGCCGAGGGGCGG-3'
Protein context (NP_005052.1, residues 17-37): LPHKRSHRHR[Gly27Asp]KVKTWPRDDP

ClinVar aggregate classification (germline): Conflicting classifications of pathogenicity. Review status: criteria provided, conflicting classifications (1 of 4 stars). 4 submissions from 4 submitters: Pathogenic (1); Likely pathogenic (1); Uncertain significance (1). 1 of the submissions does not count toward it. Last evaluated 2024-02-05.

Conditions:
Cardiomyopathy, dilated, 2D. Identifiers: MedGen C5543535, MONDO:0030300, OMIM 619371.

Allele frequency attached by ClinVar (database versions not stated): ExAC 0.00001; gnomAD exomes 0.00001.

Submissions (4):

GeneDx
Classification: Uncertain significance. Last evaluated: 2024-02-05. Review status: criteria provided, single submitter. Criteria: GeneDx Variant Classification Process June 2021. Collection method: clinical testing. Allele origin: germline. Affected: yes.
Comment: In silico analysis supports that this missense variant has a deleterious effect on protein structure/function; This variant is associated with the following publications: (PMID: 36291431, 35323613, 32514796, 37308880)

Women's Health and Genetics/Laboratory Corporation of America, LabCorp
Classification: Pathogenic for Cardiomyopathy, dilated, 2D. Last evaluated: 2023-06-16. Review status: criteria provided, single submitter. Criteria: LabCorp Variant Classification Summary - May 2015. Collection method: clinical testing. Allele origin: germline.
Comment: Variant summary: RPL3L c.80G>A (p.Gly27Asp) results in a non-conservative amino acid change in the encoded protein sequence. Five of five in-silico tools predict a damaging effect of the variant on protein function. The variant allele was found at a frequency of 8.7e-06 in 229842 control chromosomes (gnomAD). c.80G>A has been reported in the literature in individuals affected with neonatal dilated cardiomyopathy with evidence of cosegregation with disease in different families (Ganapathi_2020, Nannapaneni_2022, Yang_2023). These individuals were reported as compound heterozygous with other variants confirmed in trans by parental testing: one family with a missense variant that OMIM classified as pathogenic, and the other two families with truncating variants. These data indicate that the variant is likely to be associated with disease. The following publications have been ascertained in the context of this evaluation (PMID: 32514796, 35323613, 37308880). Two submitters have provided clinical-significance assessments for this variant to ClinVar after 2014, and classified it as pathogenic/likely pathogenic. Based on the evidence outlined above, the variant was classified as pathogenic.

HudsonAlpha Institute for Biotechnology
Classification: Likely pathogenic for Cardiomyopathy, dilated, 2D. Last evaluated: 2021-06-23. Review status: criteria provided, single submitter. Criteria: ACMG Guidelines, 2015. Collection method: research. Allele origin: maternal. Affected: yes. Observed: 1 compound heterozygote. Study: CSER-SouthSeq.
Comment: ACMG codes: PM1; PM2; PP3; PP4

OMIM
Classification: Pathogenic for CARDIOMYOPATHY, DILATED, 2D. Last evaluated: 2021-06-06. Review status: no assertion criteria provided. Collection method: literature only. Allele origin: germline. Not counted in ClinVar's aggregate classification.

Literature cited by the submitters: PubMed 32514796 (cited by Women's Health and Genetics/Laboratory Corporation of America, LabCorp and OMIM); PubMed 35323613 (cited by Women's Health and Genetics/Laboratory Corporation of America, LabCorp); PubMed 37308880 (cited by Women's Health and Genetics/Laboratory Corporation of America, LabCorp).